The following is an entry in ClinVar:

NM_000083.3(CLCN1):c.2219C>G (p.Ser740Cys)

Gene: CLCN1 (chloride voltage-gated channel 1; plus strand). Cytogenetic location: 7q34.
Variant type: single nucleotide variant.
Coding change: c.2219C>G on transcript NM_000083.3 (MANE Select); coding-DNA position 2219, C replaced by G.
Protein change: p.Ser740Cys; replaces serine 740 with cysteine.
Molecular consequence: missense variant. On other transcripts: non-coding transcript variant (1).
Genome position (GRCh38, 1-based): chr7:143,346,186, C>G. VCF-style: chr7-143346186-C-G. GRCh37 (hg19) VCF-style: chr7-143043279-C-G.
Other names: short protein forms S740C.
Identifiers: ClinVar variation 570560 (VCV000570560.18), dbSNP rs139262486, ClinGen allele CA4537593.

ClinVar aggregate classification (germline): Conflicting classifications of pathogenicity. Review status: criteria provided, conflicting classifications (1 of 4 stars). 5 submissions from 5 submitters: Uncertain significance (4); Likely benign (1). Last evaluated 2026-05-26.

Conditions:
Congenital myotonia, autosomal recessive form. Also called: Becker Generalized Myotonia; BECKER DISEASE; myotonia congenita, autosomal recessive. Identifiers: Orphanet 614, MedGen C0751360, MONDO:0009715, OMIM 255700.
Congenital myotonia, autosomal dominant form (THD). Also called: THOMSEN DISEASE; Myotonia congenita autosomal dominant. Identifiers: Orphanet 614, MedGen C2936781, MONDO:0008055, OMIM 160800.
Inborn genetic diseases. Identifiers: MedGen C0950123, MeSH D030342.

Allele frequency attached by ClinVar (database versions not stated): ExAC 0.00010; gnomAD exomes 0.00013; 1000 Genomes Project 30x 0.00016; 1000 Genomes Project 0.00020; gnomAD 0.00031 and 0.00032; TOPMed 0.00045; ESP Exome Variant Server 0.00062.
gnomAD v4.1: 116 of 1,613,666 alleles (0.0072%); highest among the groups gnomAD compares: African/African-American, 0.14%; no homozygotes.

Submissions (5):

Ambry Genetics
Classification: Uncertain significance for Inborn genetic diseases. Last evaluated: 2026-05-26. Review status: criteria provided, single submitter. Criteria: Ambry Variant Classification Scheme 2023. Collection method: clinical testing. Allele origin: germline.

Labcorp Genetics (formerly Invitae), Labcorp
Classification: Likely benign for Congenital myotonia, autosomal recessive form; Congenital myotonia, autosomal dominant form. Last evaluated: 2026-01-19. Review status: criteria provided, single submitter. Criteria: Invitae Variant Classification Sherloc (09022015). Collection method: clinical testing. Allele origin: germline.

GeneDx
Classification: Uncertain significance. Last evaluated: 2024-03-25. Review status: criteria provided, single submitter. Criteria: GeneDx Variant Classification Process June 2021. Collection method: clinical testing. Allele origin: germline. Affected: yes.
Comment: In silico analysis supports that this missense variant does not alter protein structure/function; Has not been previously published as pathogenic or benign to our knowledge

Revvity Omics, Revvity
Classification: Uncertain significance. Last evaluated: 2020-08-19. Review status: criteria provided, single submitter. Criteria: ACMG Guidelines, 2015. Collection method: clinical testing. Allele origin: germline.

Fulgent Genetics
Classification: Uncertain significance for Congenital myotonia, autosomal dominant form; Congenital myotonia, autosomal recessive form. Last evaluated: 2018-10-31. Review status: criteria provided, single submitter. Criteria: ACMG Guidelines, 2015. Collection method: clinical testing. Allele origin: unknown.